The following is an entry in ClinVar:

NM_002430.3(MN1):c.857C>T (p.Ser286Phe)

Gene: MN1 (MN1 proto-oncogene, transcriptional regulator; minus strand). Cytogenetic location: 22q12.1.
Variant type: single nucleotide variant.
Coding change: c.857C>T on transcript NM_002430.3 (MANE Select); coding-DNA position 857, C replaced by T.
Protein change: p.Ser286Phe; replaces serine 286 with phenylalanine.
Molecular consequence: missense variant.
Genome position (GRCh38, 1-based): chr22:27,799,687, G>A on the plus strand (C>T on the coding strand, the complement: MN1 is on the minus strand). VCF-style: chr22-27799687-G-A. GRCh37 (hg19) VCF-style: chr22-28195675-G-A.
Other names: short protein forms S286F.
Identifiers: ClinVar variation 4822012 (VCV004822012.4).

ClinVar aggregate classification (germline): Uncertain significance (1 of 4 stars; one submission).

Submission:

CeGaT Center for Human Genetics Tuebingen
Classification: Uncertain significance. Last evaluated: 2026-02-01. Review status: criteria provided, single submitter. Criteria: CeGaT Center For Human Genetics Tuebingen Variant Classification Criteria Version 2. Collection method: clinical testing. Allele origin: germline. Affected: yes. Observed: 1 variant allele.
Comment: MN1: PM2